The following is an entry in ClinVar:

NM_181882.3(PRX):c.4124G>A (p.Arg1375Gln)

Gene: PRX (periaxin; minus strand). Cytogenetic location: 19q13.2.
Variant type: single nucleotide variant.
Coding change: c.4124G>A on transcript NM_181882.3 (MANE Select); coding-DNA position 4124, G replaced by A.
Protein change: p.Arg1375Gln; replaces arginine 1375 with glutamine.
Molecular consequence: missense variant. On other transcripts: 3 prime UTR variant (1).
Genome position (GRCh38, 1-based): chr19:40,394,228, C>T on the plus strand (G>A on the coding strand, the complement: PRX is on the minus strand). VCF-style: chr19-40394228-C-T. GRCh37 (hg19) VCF-style: chr19-40900135-C-T.
Other names: c.*4329G>A (NM_020956.2); short protein forms R1375Q.
Identifiers: ClinVar variation 1482662 (VCV001482662.7), dbSNP rs762053224, ClinGen allele CA9443688.

ClinVar aggregate classification (germline): Uncertain significance. Review status: criteria provided, multiple submitters, no conflicts (2 of 4 stars). 3 submissions from 3 submitters: Uncertain significance (3). Last evaluated 2026-04-15.

Conditions:
Charcot-Marie-Tooth disease type 4. Also called: Charcot-Marie-Tooth disease, type IV; Charcot-Marie-Tooth, Type 4. Identifiers: Orphanet 64749, MedGen C4082197, MONDO:0018995.

Allele frequency attached by ClinVar (database versions not stated): gnomAD exomes 0.00001 and 0.00003; ExAC 0.00002; gnomAD 0.00003.
gnomAD v4.1: 23 of 1,603,214 alleles (0.0014%); highest among the groups gnomAD compares: Admixed American, 0.013%; no homozygotes.

Submissions (3):

Women's Health and Genetics/Laboratory Corporation of America, LabCorp
Classification: Uncertain significance. Last evaluated: 2026-04-15. Review status: criteria provided, single submitter. Criteria: LabCorp Variant Classification Summary - May 2015. Collection method: clinical testing. Allele origin: germline.
Comment: Variant summary: PRX c.4124G>A (p.Arg1375Gln) results in a conservative amino acid change in the encoded protein sequence. Algorithms developed to predict the effect of missense changes on protein structure and function are either unavailable or do not agree on the potential impact of this missense change. The variant allele was found at a frequency of 3.3e-05 in 243854 control chromosomes. The available data on variant occurrences in the general population are insufficient to allow any conclusion about variant significance. To our knowledge, no occurrence of c.4124G>A in individuals affected with PRX-related conditions and no experimental evidence demonstrating its impact on protein function have been reported. ClinVar contains an entry for this variant (Variation ID: 1482662). Based on the evidence outlined above, the variant was classified as uncertain significance.

Revvity Omics, Revvity
Classification: Uncertain significance. Last evaluated: 2022-03-22. Review status: criteria provided, single submitter. Criteria: ACMG Guidelines, 2015. Collection method: clinical testing. Allele origin: germline.

Labcorp Genetics (formerly Invitae), Labcorp
Classification: Uncertain significance for Charcot-Marie-Tooth disease type 4. Last evaluated: 2021-08-28. Review status: criteria provided, single submitter. Criteria: Invitae Variant Classification Sherloc (09022015). Collection method: clinical testing. Allele origin: germline.
Comment: This sequence change replaces arginine with glutamine at codon 1375 of the PRX protein (p.Arg1375Gln). The arginine residue is moderately conserved and there is a small physicochemical difference between arginine and glutamine. This variant is present in population databases (rs762053224, ExAC 0.009%). This variant has not been reported in the literature in individuals affected with PRX-related conditions. Algorithms developed to predict the effect of missense changes on protein structure and function (SIFT, PolyPhen-2, Align-GVGD) all suggest that this variant is likely to be tolerated. Algorithms developed to predict the effect of sequence changes on RNA splicing suggest that this variant may create or strengthen a splice site. In summary, the available evidence is currently insufficient to determine the role of this variant in disease. Therefore, it has been classified as a Variant of Uncertain Significance.